The following is an entry in ClinVar:

NM_138694.4(PKHD1):c.1403G>A (p.Arg468Lys)

Gene: PKHD1 (PKHD1 ciliary IPT domain containing fibrocystin/polyductin; minus strand). Cytogenetic location: 6p12.2.
Variant type: single nucleotide variant.
Coding change: c.1403G>A on transcript NM_138694.4 (MANE Select); coding-DNA position 1403, G replaced by A.
Protein change: p.Arg468Lys; replaces arginine 468 with lysine.
Molecular consequence: missense variant.
Genome position (GRCh38, 1-based): chr6:52,058,432, C>T on the plus strand (G>A on the coding strand, the complement: PKHD1 is on the minus strand). VCF-style: chr6-52058432-C-T. GRCh37 (hg19) VCF-style: chr6-51923230-C-T.
Other names: c.1403G>A, p.Arg468Lys (NM_170724.3); short protein forms R468K.
Identifiers: ClinVar variation 1054680 (VCV001054680.11), dbSNP rs765645325, ClinGen allele CA364426637.
Genomic context (GRCh38, chr6:52,058,432, plus strand): 5'-CGTAGGTAAGTGGTGACCACATCAGGATTCAGCCAGGTGTTGTGAATCTGGACACCAATC[C>T]TCATCCCCCTGCTTGGGGCTATCCCATGATGCTCTGCTTCCAGGTAGTACATGGCTCCAC-3'
Protein context (NP_619639.3, residues 458-478): HHGIAPSRGM[Arg468Lys]IGVQIHNTWL

ClinVar aggregate classification (germline): Uncertain significance (1 of 4 stars; one submission).

Conditions:
Autosomal recessive polycystic kidney disease (ARPKD). Also called: AR polycystic kidney disease. Identifiers: Orphanet 731, Orphanet 8378, MedGen C0085548, MeSH D017044, MONDO:0009889.

Submission:

Labcorp Genetics (formerly Invitae), Labcorp
Classification: Uncertain significance for Autosomal recessive polycystic kidney disease. Last evaluated: 2025-08-18. Review status: criteria provided, single submitter. Criteria: Invitae Variant Classification Sherloc (09022015). Collection method: clinical testing. Allele origin: germline.
Comment: This sequence change replaces arginine, which is basic and polar, with lysine, which is basic and polar, at codon 468 of the PKHD1 protein (p.Arg468Lys). This variant is not present in population databases (gnomAD no frequency). This variant has not been reported in the literature in individuals affected with PKHD1-related conditions. ClinVar contains an entry for this variant (Variation ID: 1054680). Invitae Evidence Modeling of protein sequence and biophysical properties (such as structural, functional, and spatial information, amino acid conservation, physicochemical variation, residue mobility, and thermodynamic stability) indicates that this missense variant is not expected to disrupt PKHD1 protein function with a negative predictive value of 95%. In summary, the available evidence is currently insufficient to determine the role of this variant in disease. Therefore, it has been classified as a Variant of Uncertain Significance.